The following is an entry in ClinVar:

ClinVar aggregate classification (germline): Uncertain significance (1 of 4 stars; one submission).

Conditions:
6-Pyruvoyl-tetrahydrobiopterin synthase deficiency. Also called: 6-Pyruvoyltetrahydropterin Synthase Deficiency; HYPERPHENYLALANINEMIA, TETRAHYDROBIOPTERIN-DEFICIENT, DUE TO PTS DEFICIENCY; Hyperphenylalanemia, BH4-deficient, A; Hyperphenylalaninemia due to 6-pyruvoyl-tetrahydropterin synthase deficiency; PTS-Related Tetrahydrobiopterin Deficiency; PTS DEFICIENCY. Identifiers: Orphanet 13, Orphanet 238583, MedGen C0878676, MONDO:0009863, OMIM 261640.

Submission:

Labcorp Genetics (formerly Invitae), Labcorp
Classification: Uncertain significance for 6-Pyruvoyl-tetrahydrobiopterin synthase deficiency. Last evaluated: 2024-05-15. Review status: criteria provided, single submitter. Criteria: Invitae Variant Classification Sherloc (09022015). Collection method: clinical testing. Allele origin: germline.
Comment: This sequence change replaces isoleucine, which is neutral and non-polar, with asparagine, which is neutral and polar, at codon 18 of the PTS protein (p.Ile18Asn). This variant is not present in population databases (gnomAD no frequency). This variant has not been reported in the literature in individuals affected with PTS-related conditions. An algorithm developed to predict the effect of missense changes on protein structure and function (PolyPhen-2) suggests that this variant is likely to be tolerated. In summary, the available evidence is currently insufficient to determine the role of this variant in disease. Therefore, it has been classified as a Variant of Uncertain Significance.

NM_000317.3(PTS):c.53T>A (p.Ile18Asn)

Genes: PTS (6-pyruvoyltetrahydropterin synthase; plus strand), LOC130006765 (ATAC-STARR-seq lymphoblastoid silent region 3906; plus strand). Cytogenetic location: 11q23.1.
Variant type: single nucleotide variant.
Coding change: c.53T>A on transcript NM_000317.3 (MANE Select); coding-DNA position 53, T replaced by A.
Protein change: p.Ile18Asn; replaces isoleucine 18 with asparagine.
Molecular consequence: missense variant.
Genome position (GRCh38, 1-based): chr11:112,226,496, T>A. VCF-style: chr11-112226496-T-A. GRCh37 (hg19) VCF-style: chr11-112097219-T-A.
Other names: short protein forms I18N.
Identifiers: ClinVar variation 3618395 (VCV003618395.2).